The following is an entry in ClinVar:

NM_144585.4(SLC22A12):c.507-4G>A

Gene: SLC22A12 (solute carrier family 22 member 12; plus strand). Cytogenetic location: 11q13.1.
Variant type: single nucleotide variant.
Coding change: c.507-4G>A on transcript NM_144585.4 (MANE Select); 4 bases into the intron before coding-DNA position 507, G replaced by A.
Molecular consequence: intron variant.
Genome position (GRCh38, 1-based): chr11:64,593,401, G>A. VCF-style: chr11-64593401-G-A. GRCh37 (hg19) VCF-style: chr11-64360873-G-A.
Other names: c.507-4G>A (NM_001276326.2); c.506+519G>A (NM_001276327.2); c.-2-234G>A (NM_153378.3).
Identifiers: ClinVar variation 2641926 (VCV002641926.24), dbSNP rs144325235, ClinGen allele CA6077107.

ClinVar aggregate classification (germline): Likely benign (1 of 4 stars; one submission).

Allele frequency attached by ClinVar (database versions not stated): ExAC 0.00001; gnomAD 0.00001; gnomAD exomes 0.00001; TOPMed 0.00001; 1000 Genomes Project 30x 0.00016; 1000 Genomes Project 0.00020.
gnomAD v4.1: 13 of 1,614,094 alleles (0.00081%); highest among the groups gnomAD compares: East Asian, 0.0022%; no homozygotes.

Submission:

CeGaT Center for Human Genetics Tuebingen
Classification: Likely benign. Last evaluated: 2023-02-01. Review status: criteria provided, single submitter. Criteria: CeGaT Center For Human Genetics Tuebingen Variant Classification Criteria Version 2. Collection method: clinical testing. Allele origin: germline. Affected: yes. Observed: 1 variant allele.
Comment: SLC22A12: BP4